The following is an entry in ClinVar:

ClinVar aggregate classification (germline): Uncertain significance (1 of 4 stars; one submission).

Conditions:
Hereditary sensory neuropathy-deafness-dementia syndrome. Also called: NEUROPATHY, HEREDITARY SENSORY, WITH HEARING LOSS AND DEMENTIA; Hereditary sensory neuropathy type IE; HSN IE; Hereditary Sensory and Autonomic Neuropathy Type 1E (HSAN1E). Identifiers: Orphanet 456318, MedGen C3279885, MONDO:0013584, OMIM 614116.

Allele frequency attached by ClinVar (database versions not stated): gnomAD exomes below 0.00001; TOPMed below 0.00001; gnomAD 0.00001.
gnomAD v4.1: 2 of 1,614,002 alleles (0.00012%); highest among the groups gnomAD compares: Admixed American, 0.0017%; no homozygotes.

Submission:

Labcorp Genetics (formerly Invitae), Labcorp
Classification: Uncertain significance for Hereditary sensory neuropathy-deafness-dementia syndrome. Last evaluated: 2019-09-04. Review status: criteria provided, single submitter. Criteria: Invitae Variant Classification Sherloc (09022015). Collection method: clinical testing. Allele origin: germline.
Comment: This sequence change replaces alanine with glycine at codon 1505 of the DNMT1 protein (p.Ala1505Gly). The alanine residue is weakly conserved and there is a small physicochemical difference between alanine and glycine. In summary, the available evidence is currently insufficient to determine the role of this variant in disease. Therefore, it has been classified as a Variant of Uncertain Significance. Algorithms developed to predict the effect of missense changes on protein structure and function (SIFT, PolyPhen-2, Align-GVGD) all suggest that this variant is likely to be tolerated, but these predictions have not been confirmed by published functional studies and their clinical significance is uncertain. This variant has not been reported in the literature in individuals with DNMT1-related conditions. This variant is not present in population databases (ExAC no frequency).

NM_001130823.3(DNMT1):c.4514C>G (p.Ala1505Gly)

Genes: DNMT1 (DNA methyltransferase 1; minus strand), LOC126862853 (CDK7 strongly-dependent group 2 enhancer GRCh37_chr19:10246117-10247316; plus strand). Cytogenetic location: 19p13.2.
Variant type: single nucleotide variant.
Coding change: c.4514C>G on transcript NM_001130823.3 (MANE Select); coding-DNA position 4514, C replaced by G.
Protein change: p.Ala1505Gly; replaces alanine 1505 with glycine.
Molecular consequence: missense variant.
Genome position (GRCh38, 1-based): chr19:10,136,263, G>C on the plus strand (C>G on the coding strand, the complement: DNMT1 is on the minus strand). VCF-style: chr19-10136263-G-C. GRCh37 (hg19) VCF-style: chr19-10246939-G-C.
Other names: c.4475C>G, p.Ala1492Gly (NM_001318730.2); c.4151C>G, p.Ala1384Gly (NM_001318731.2); c.4466C>G, p.Ala1489Gly (NM_001379.4); short protein forms A1492G, A1384G, A1489G, A1505G.
Identifiers: ClinVar variation 860100 (VCV000860100.10), dbSNP rs1194509546, ClinGen allele CA403968524.